The following is an entry in ClinVar:

NM_133642.5(LARGE1):c.1132-153C>T

Gene: LARGE1 (LARGE xylosyl- and glucuronyltransferase 1; minus strand). Cytogenetic location: 22q12.3.
Variant type: single nucleotide variant.
Coding change: c.1132-153C>T on transcript NM_133642.5 (MANE Select); 153 bases into the intron before coding-DNA position 1132, C replaced by T.
Molecular consequence: intron variant.
Genome position (GRCh38, 1-based): chr22:33,337,954, G>A on the plus strand (C>T on the coding strand, the complement: LARGE1 is on the minus strand). VCF-style: chr22-33337954-G-A. GRCh37 (hg19) VCF-style: chr22-33733940-G-A.
Other names: c.1132-153C>T (NM_001362953.2, NM_001362949.2, NM_001378627.1 and 6 more transcripts); c.1132-21706C>T (NM_001378629.1); c.529-21706C>T (NM_001378631.1); c.529-153C>T (NM_001378630.1).
Identifiers: ClinVar variation 683053 (VCV000683053.1), dbSNP rs2157198, ClinGen allele CA14975218.
Genomic context (GRCh38, chr22:33,337,954, plus strand): 5'-GCATTATTTGAGGGTCTGCTCATTCGCTCATTCAACATTTTGGCAGAGTGGTTAAGGGTA[G>A]GGGCTCGGGGGCCAGGTCACCTGGGATCAAACCCTGCCTCTGCTCTAGGTAGTCCTTTAA-3'

ClinVar aggregate classification (germline): Benign (1 of 4 stars; one submission).

Allele frequency attached by ClinVar (database versions not stated): gnomAD 0.13249 and 0.13774; TOPMed 0.14180; 1000 Genomes Project 0.14916; 1000 Genomes Project 30x 0.15631.
gnomAD v4.1: 20,019 of 152,172 alleles (13%); highest among the groups gnomAD compares: African/African-American, 35%; 2,726 homozygotes.

Submission:

GeneDx
Classification: Benign. Last evaluated: 2018-06-14. Review status: criteria provided, single submitter. Criteria: GeneDx Variant Classification (06012015). Collection method: clinical testing. Allele origin: germline. Affected: yes.
Comment: This variant is considered likely benign or benign based on one or more of the following criteria: it is a conservative change, it occurs at a poorly conserved position in the protein, it is predicted to be benign by multiple in silico algorithms, and/or has population frequency not consistent with disease.